The following is an entry in ClinVar:

ClinVar aggregate classification (germline): Uncertain significance (1 of 4 stars; one submission).

Submission:

Labcorp Genetics (formerly Invitae), Labcorp
Classification: Uncertain significance. Last evaluated: 2021-12-16. Review status: criteria provided, single submitter. Criteria: Invitae Variant Classification Sherloc (09022015). Collection method: clinical testing. Allele origin: germline.
Comment: In summary, the available evidence is currently insufficient to determine the role of this variant in disease. Therefore, it has been classified as a Variant of Uncertain Significance. Algorithms developed to predict the effect of missense changes on protein structure and function (SIFT, PolyPhen-2, Align-GVGD) all suggest that this variant is likely to be disruptive. This variant has not been reported in the literature in individuals affected with RAI1-related conditions. This variant is not present in population databases (gnomAD no frequency). This sequence change replaces lysine, which is basic and polar, with asparagine, which is neutral and polar, at codon 456 of the RAI1 protein (p.Lys456Asn).

NM_030665.4(RAI1):c.1368G>T (p.Lys456Asn)

Gene: RAI1 (retinoic acid induced 1; plus strand). Cytogenetic location: 17p11.2.
Variant type: single nucleotide variant.
Coding change: c.1368G>T on transcript NM_030665.4 (MANE Select); coding-DNA position 1368, G replaced by T.
Protein change: p.Lys456Asn; replaces lysine 456 with asparagine.
Molecular consequence: missense variant.
Genome position (GRCh38, 1-based): chr17:17,794,316, G>T. VCF-style: chr17-17794316-G-T. GRCh37 (hg19) VCF-style: chr17-17697630-G-T.
Other names: short protein forms K456N.
Identifiers: ClinVar variation 2043518 (VCV002043518.4), dbSNP rs1464669957, ClinGen allele CA398547673.
Genomic context (GRCh38, chr17:17,794,316, plus strand): 5'-GGCGCTGACCTCACAGGTGGAGAACATCTCCAACACCGTCCAGCAGCTGCTGCTCTCCAA[G>T]GCTGCTGTGCCGCAGAAGAAAGGTGTCAAGAACCTCGTGTCCAGGACCCCAGAGCAGCAT-3'
Protein context (NP_109590.3, residues 446-466): SNTVQQLLLS[Lys456Asn]AAVPQKKGVK